The following is an entry in ClinVar:

ClinVar aggregate classification (germline): Conflicting classifications of pathogenicity. Review status: criteria provided, conflicting classifications (1 of 4 stars). 7 submissions from 7 submitters: Uncertain significance (2); Benign (1); Likely benign (2). 2 of the submissions do not count toward it. Last evaluated 2026-01-11.

Conditions:
PEX1-related disorder. Also called: PEX1-related condition.
Zellweger spectrum disorders (ZS). Also called: Zellweger Spectrum Disorder; Zellweger Spectrum; Zellweger syndrome; Zellweger Spectrum Disorder (ZSD). Identifiers: Orphanet 912, MedGen C0043459, MONDO:0019609.
Peroxisome biogenesis disorder 1A (Zellweger) (PBD1A). Also called: Zellweger leukodystrophy; Peroxisome biogenesis disorder 1a. Identifiers: MedGen C4721541, MONDO:0008953, OMIM 214100.

Allele frequency attached by ClinVar (database versions not stated): 1000 Genomes Project 30x 0.00016; TOPMed 0.00017; 1000 Genomes Project 0.00020; gnomAD 0.00022; ExAC 0.00030; gnomAD exomes 0.00032; ESP Exome Variant Server 0.00054.
gnomAD v4.1: 281 of 1,613,914 alleles (0.017%); highest among the groups gnomAD compares: Middle Eastern, 0.049%; 2 homozygotes.

Submissions (7):

Labcorp Genetics (formerly Invitae), Labcorp
Classification: Benign for Zellweger spectrum disorders. Last evaluated: 2026-01-11. Review status: criteria provided, single submitter. Criteria: Invitae Variant Classification Sherloc (09022015). Collection method: clinical testing. Allele origin: germline.

CeGaT Center for Human Genetics Tuebingen
Classification: Likely benign. Last evaluated: 2025-11-01. Review status: criteria provided, single submitter. Criteria: CeGaT Center For Human Genetics Tuebingen Variant Classification Criteria Version 2. Collection method: clinical testing. Allele origin: germline. Affected: yes. Observed: 2 variant alleles.
Comment: PEX1: BP4, BP7

Blueprint Genetics
Classification: Likely benign. Last evaluated: 2024-09-02. Review status: criteria provided, single submitter. Criteria: ACMG Guidelines, 2015. Collection method: clinical testing. Allele origin: germline.

Illumina Laboratory Services, Illumina
Classification: Uncertain significance for Peroxisome biogenesis disorder 1A (Zellweger). Last evaluated: 2018-01-13. Review status: criteria provided, single submitter. Criteria: ICSL Variant Classification Criteria 13 December 2019. Collection method: clinical testing. Allele origin: germline.

Eurofins Ntd Llc (ga)
Classification: Uncertain significance. Last evaluated: 2016-10-10. Review status: criteria provided, single submitter. Criteria: EGL Classification Definitions 2015. Collection method: clinical testing. Allele origin: germline. Observed: 1 variant allele, 1 heterozygote.

PreventionGenetics, part of Exact Sciences
Classification: Likely benign for PEX1-related condition. Last evaluated: 2019-10-14. Review status: no assertion criteria provided. Collection method: clinical testing. Allele origin: germline. Not counted in ClinVar's aggregate classification.
Comment: This variant is classified as likely benign based on ACMG/AMP sequence variant interpretation guidelines (Richards et al. 2015 PMID: 25741868, with internal and published modifications).

Natera, Inc.
Classification: Uncertain significance for Zellweger syndrome. Last evaluated: 2018-05-03. Review status: no assertion criteria provided. Collection method: clinical testing. Allele origin: germline. Not counted in ClinVar's aggregate classification.

NM_000466.3(PEX1):c.1725G>A (p.Leu575=)

Gene: PEX1 (peroxisomal biogenesis factor 1; minus strand). Cytogenetic location: 7q21.2.
Variant type: single nucleotide variant.
Coding change: c.1725G>A on transcript NM_000466.3 (MANE Select); coding-DNA position 1725, G replaced by A.
Protein change: p.Leu575=; no amino-acid change (leucine 575 retained).
Molecular consequence: synonymous variant.
Genome position (GRCh38, 1-based): chr7:92,507,072, C>T on the plus strand (G>A on the coding strand, the complement: PEX1 is on the minus strand). VCF-style: chr7-92507072-C-T. GRCh37 (hg19) VCF-style: chr7-92136386-C-T.
Other names: c.1725G>A, p.Leu575= (NM_001282677.2); c.1101G>A, p.Leu367= (NM_001282678.2).
Identifiers: ClinVar variation 497965 (VCV000497965.31), dbSNP rs150667796, ClinGen allele CA4341315.